The following is an entry in ClinVar:

ClinVar aggregate classification (germline): Pathogenic (1 of 4 stars; one submission).

Allele frequency attached by ClinVar (database versions not stated): gnomAD exomes 0.00001 and below 0.00001; TOPMed below 0.00001; ExAC 0.00001.
gnomAD v4.1: 10 of 1,614,026 alleles (0.00062%); highest among the groups gnomAD compares: Non-Finnish European, 0.00076%; no homozygotes.

Submission:

Labcorp Genetics (formerly Invitae), Labcorp
Classification: Pathogenic. Last evaluated: 2020-09-01. Review status: criteria provided, single submitter. Criteria: Invitae Variant Classification Sherloc (09022015). Collection method: clinical testing. Allele origin: germline.
Comment: This sequence change creates a premature translational stop signal (p.Lys384*) in the MED17 gene. It is expected to result in an absent or disrupted protein product. This variant is present in population databases (rs749318218, ExAC 0.001%). This variant has not been reported in the literature in individuals with MED17-related conditions. Loss-of-function variants in MED17 are known to be pathogenic (PMID: 20950787, 26004231, 30345598). For these reasons, this variant has been classified as Pathogenic.

Literature cited by the submitters: PubMed 20950787; PubMed 26004231; PubMed 30345598.

NM_004268.5(MED17):c.1150A>T (p.Lys384Ter)

Gene: MED17 (mediator complex subunit 17; plus strand). Cytogenetic location: 11q21.
Variant type: single nucleotide variant.
Coding change: c.1150A>T on transcript NM_004268.5 (MANE Select); coding-DNA position 1150, A replaced by T.
Protein change: p.Lys384Ter; replaces lysine 384 with a stop codon.
Molecular consequence: nonsense.
Genome position (GRCh38, 1-based): chr11:93,797,541, A>T. VCF-style: chr11-93797541-A-T. GRCh37 (hg19) VCF-style: chr11-93530707-A-T.
Other names: short protein forms K384*.
Identifiers: ClinVar variation 1072194 (VCV001072194.7), dbSNP rs749318218, ClinGen allele CA6232553.